The following is an entry in ClinVar:

NM_000308.4(CTSA):c.990dup (p.Cys331fs)

Gene: CTSA (cathepsin A; plus strand). Cytogenetic location: 20q13.12.
Variant type: Duplication.
Coding change: c.990dup on transcript NM_000308.4 (MANE Select); coding-DNA position 990, one base duplicated (C; older notation c.990dupC).
Protein change: p.Cys331fs; shifts the reading frame from cysteine 331.
Molecular consequence: frameshift variant. On other transcripts: non-coding transcript variant (1).
Genome position (GRCh38, 1-based): chr20:45,895,035, C duplicated; the last of 7 consecutive C bases (chr20:45,895,029-45,895,035); duplicating any one gives the same sequence. VCF-style (leftmost placement, unchanged base first): chr20-45895028-A-AC. GRCh37 (hg19) VCF-style: chr20-44523667-A-AC.
Other names: c.990dupC (NM_000308.4); c.990dup, p.Cys331fs (NM_001127695.3); c.939dup, p.Cys314fs (NM_001167594.3); short protein forms C331fs, C314fs.
Identifiers: ClinVar variation 917637 (VCV000917637.14), dbSNP rs758642867, ClinGen allele CA9883235.
Genomic context (GRCh38, chr20:45,895,028, plus strand): 5'-CCTGACCCACTGTCTGTGCCTTCCAGGCACTGCTGCGCTCAGGGGATAAAGTGCGCATGG[A>AC]CCCCCCCTGCACCAACACAACAGCTGCTTCCACCTACCTCAACAACCCGTACGTGCGGAA-3'

ClinVar aggregate classification (germline): Pathogenic/Likely pathogenic. Review status: criteria provided, multiple submitters, no conflicts (2 of 4 stars). 6 submissions from 6 submitters: Pathogenic (5); Likely pathogenic (1). Last evaluated 2024-11-27.

Conditions:
CTSA-related disorder. Also called: CTSA-related condition.
Combined deficiency of sialidase AND beta galactosidase (GSL). Also called: CATHEPSIN A DEFICIENCY; PPCA DEFICIENCY; PROTECTIVE PROTEIN/CATHEPSIN A DEFICIENCY; Galactosialidosis; NEURAMINIDASE DEFICIENCY WITH BETA-GALACTOSIDASE DEFICIENCY; NEURAMINIDASE/BETA-GALACTOSIDASE EXPRESSION. Identifiers: Orphanet 351, MedGen C0268233, MONDO:0009737, OMIM 256540.
Brain small vessel disease 6 with leukoencephalopathy. Identifiers: Orphanet 575553, MedGen CN380099, MONDO:0980711, OMIM 621394.

Submissions (6):

Labcorp Genetics (formerly Invitae), Labcorp
Classification: Pathogenic for Combined deficiency of sialidase AND beta galactosidase. Last evaluated: 2024-11-27. Review status: criteria provided, single submitter. Criteria: Invitae Variant Classification Sherloc (09022015). Collection method: clinical testing. Allele origin: germline.
Comment: This sequence change creates a premature translational stop signal (p.Cys349Leufs*56) in the CTSA gene. It is expected to result in an absent or disrupted protein product. Loss-of-function variants in CTSA are known to be pathogenic (PMID: 15110321, 23915561). This variant is present in population databases (rs758642867, gnomAD 0.006%). This premature translational stop signal has been observed in individual(s) with early infantile galactosialidosis (PMID: 12649068). This variant is also known as c.899insC. ClinVar contains an entry for this variant (Variation ID: 917637). For these reasons, this variant has been classified as Pathogenic.

Fulgent Genetics
Classification: Likely pathogenic for Combined deficiency of sialidase AND beta galactosidase. Last evaluated: 2024-02-08. Review status: criteria provided, single submitter. Criteria: ACMG Guidelines, 2015. Collection method: clinical testing. Allele origin: germline.

Blueprint Genetics
Classification: Pathogenic for CTSA-related disorders. Last evaluated: 2024-01-31. Review status: criteria provided, single submitter. Criteria: ACMG Guidelines, 2015. Collection method: clinical testing. Allele origin: germline. Affected: yes. Observed: 5 variant alleles.

Women's Health and Genetics/Laboratory Corporation of America, LabCorp
Classification: Pathogenic for Combined deficiency of sialidase AND beta galactosidase. Last evaluated: 2023-04-10. Review status: criteria provided, single submitter. Criteria: LabCorp Variant Classification Summary - May 2015. Collection method: clinical testing. Allele origin: germline.
Comment: Variant summary: CTSA c.990dupC (p.Cys331LeufsX56) results in a premature termination codon, predicted to cause a truncation of the encoded protein or absence of the protein due to nonsense mediated decay, which are commonly known mechanisms for disease. Truncations downstream of this position have been classified as pathogenic by our laboratory. The variant allele was found at a frequency of 3.6e-05 in 250652 control chromosomes. c.990dupC (legacy name C899 ins) has been reported in the literature in individuals (in compound heterozygous and homozygous) affected with Galactosialidosis (Groener_2003). These data indicate that the variant is likely to be associated with disease. At least one publication, Groener_2003, reports extremely low enzyme activity in patients carrying this variant. One clinical diagnostic laboratory has submitted clinical-significance assessments for this variant to ClinVar after 2014 without evidence for independent evaluation. One laboratory classified the variant as pathogenic/likely pathogenic. Based on the evidence outlined above, the variant was classified as pathogenic.

GeneDx
Classification: Pathogenic. Last evaluated: 2022-11-23. Review status: criteria provided, single submitter. Criteria: GeneDx Variant Classification Process June 2021. Collection method: clinical testing. Allele origin: germline. Affected: yes.
Comment: Frameshift variant predicted to result in protein truncation or nonsense mediated decay in a gene for which loss of function is a known mechanism of disease; Also known as c.899dupC; This variant is associated with the following publications: (PMID: 12649068)

Juno Genomics, Hangzhou Juno Genomics, Inc
Classification: Pathogenic for Brain small vessel disease 6 with leukoencephalopathy; Combined deficiency of sialidase AND beta galactosidase. Review status: criteria provided, single submitter. Criteria: ACMG Guidelines, 2015. Collection method: clinical testing. Allele origin: germline.
Comment: Absent from controls (or at extremely low frequency if recessive) in Genome Aggregation Database.;Null variant in a gene where loss of function (LOF) is a known mechanism of disease.;For recessive disorders, detected in trans with a pathogenic variant.

Literature cited by the submitters: PubMed 15110321 (cited by Labcorp Genetics (formerly Invitae), Labcorp); PubMed 23915561 (cited by Labcorp Genetics (formerly Invitae), Labcorp); PubMed 12649068 (cited by Labcorp Genetics (formerly Invitae), Labcorp and Women's Health and Genetics/Laboratory Corporation of America, LabCorp); PubMed 28603679 (cited by Women's Health and Genetics/Laboratory Corporation of America, LabCorp).